The following is an entry in ClinVar:

NM_001999.4(FBN2):c.3701C>T (p.Thr1234Met)

Gene: FBN2 (fibrillin 2; minus strand). Cytogenetic location: 5q23.3.
Variant type: single nucleotide variant.
Coding change: c.3701C>T on transcript NM_001999.4 (MANE Select); coding-DNA position 3701, C replaced by T.
Protein change: p.Thr1234Met; replaces threonine 1234 with methionine.
Molecular consequence: missense variant.
Genome position (GRCh38, 1-based): chr5:128,336,011, G>A on the plus strand (C>T on the coding strand, the complement: FBN2 is on the minus strand). VCF-style: chr5-128336011-G-A. GRCh37 (hg19) VCF-style: chr5-127671703-G-A.
Other names: short protein forms T1234M.
Identifiers: ClinVar variation 213317 (VCV000213317.12), dbSNP rs368105987, ClinGen allele CA324005.

ClinVar aggregate classification (germline): Conflicting classifications of pathogenicity. Review status: criteria provided, conflicting classifications (1 of 4 stars). 5 submissions from 5 submitters: Uncertain significance (4); Likely benign (1). Last evaluated 2026-04-03.

Conditions:
FBN2-related disorder. Also called: FBN2-related condition.
Familial thoracic aortic aneurysm and aortic dissection (TAAD). Also called: Thoracic aortic aneurysms and dissections. Identifiers: Orphanet 91387, MedGen C4707243, MONDO:0019625.
Congenital contractural arachnodactyly (CCA). Also called: BEALS SYNDROME; Beals-Hecht syndrome; Arthrogryposis, distal, type 9. Identifiers: Orphanet 115, MedGen C0220668, MONDO:0007363, OMIM 121050.

Allele frequency attached by ClinVar (database versions not stated): gnomAD 0.00004 and 0.00005; TOPMed 0.00004; ESP Exome Variant Server 0.00008; 1000 Genomes Project 30x 0.00016; 1000 Genomes Project 0.00020; gnomAD exomes 0.00005 and 0.00006; ExAC 0.00007.
gnomAD v4.1: 76 of 1,614,060 alleles (0.0047%); highest among the groups gnomAD compares: South Asian, 0.031%; no homozygotes.

Submissions (5):

Women's Health and Genetics/Laboratory Corporation of America, LabCorp
Classification: Uncertain significance. Last evaluated: 2026-04-03. Review status: criteria provided, single submitter. Criteria: LabCorp Variant Classification Summary - May 2015. Collection method: clinical testing. Allele origin: germline.

Ambry Genetics
Classification: Uncertain significance for Familial thoracic aortic aneurysm and aortic dissection. Last evaluated: 2026-02-24. Review status: criteria provided, single submitter. Criteria: Ambry Variant Classification Scheme 2023. Collection method: clinical testing. Allele origin: germline.
Comment: The p.T1234M variant (also known as c.3701C>T), located in coding exon 28 of the FBN2 gene, results from a C to T substitution at nucleotide position 3701. The threonine at codon 1234 is replaced by methionine, an amino acid with similar properties. This amino acid position is conserved. In addition, the in silico prediction for this alteration is inconclusive. Based on the available evidence, the clinical significance of this variant remains unclear.

Labcorp Genetics (formerly Invitae), Labcorp
Classification: Likely benign for Congenital contractural arachnodactyly. Last evaluated: 2025-12-10. Review status: criteria provided, single submitter. Criteria: Invitae Variant Classification Sherloc (09022015). Collection method: clinical testing. Allele origin: germline.

GeneDx
Classification: Uncertain significance. Last evaluated: 2022-10-31. Review status: criteria provided, single submitter. Criteria: GeneDx Variant Classification Process June 2021. Collection method: clinical testing. Allele origin: germline. Affected: yes.
Comment: In silico analysis supports that this missense variant has a deleterious effect on protein structure/function; Has not been previously published as pathogenic or benign to our knowledge; Although located in a calcium-binding EGF-like domain of the FBN2 gene, it does not substitute or introduce a cysteine residue (Callewaert et al., 2009; Frederic et al., 2009); This variant is associated with the following publications: (PMID: 18767143)

PreventionGenetics, part of Exact Sciences
Classification: Uncertain significance for FBN2-related condition. Last evaluated: 2022-09-28. Review status: criteria provided, single submitter. Criteria: ACMG Guidelines, 2015. Collection method: clinical testing. Allele origin: germline.
Comment: The FBN2 c.3701C>T variant is predicted to result in the amino acid substitution p.Thr1234Met. To our knowledge, this variant has not been reported in the literature. This variant is reported in 0.033% of alleles in individuals of South Asian descent in gnomAD. Although we suspect that this variant may be benign, at this time, the clinical significance of this variant is uncertain due to the absence of conclusive functional and genetic evidence.